The following is an entry in ClinVar:

ClinVar aggregate classification (germline): Uncertain significance (1 of 4 stars; one submission).

gnomAD v4.1: 7 of 1,614,204 alleles (0.00043%); highest among the groups gnomAD compares: South Asian, 0.0011%; no homozygotes.

Submission:

GeneDx
Classification: Uncertain significance. Last evaluated: 2023-07-14. Review status: criteria provided, single submitter. Criteria: GeneDx Variant Classification Process June 2021. Collection method: clinical testing. Allele origin: germline. Affected: yes.
Comment: Not observed at significant frequency in large population cohorts (gnomAD); In silico analysis supports that this missense variant has a deleterious effect on protein structure/function; Has not been previously published as pathogenic or benign to our knowledge

NM_001242896.3(DEPDC5):c.53G>A (p.Gly18Asp)

Gene: DEPDC5 (DEP domain containing 5, GATOR1 subcomplex subunit; plus strand). Cytogenetic location: 22q12.2.
Variant type: single nucleotide variant.
Coding change: c.53G>A on transcript NM_001242896.3 (MANE Select); coding-DNA position 53, G replaced by A.
Protein change: p.Gly18Asp; replaces glycine 18 with aspartic acid.
Molecular consequence: missense variant. On other transcripts: non-coding transcript variant (5).
Genome position (GRCh38, 1-based): chr22:31,754,974, G>A. VCF-style: chr22-31754974-G-A. GRCh37 (hg19) VCF-style: chr22-32150960-G-A.
Other names: c.53G>A, p.Gly18Asp (NM_001007188.4, NM_001136029.4, NM_001242897.2 and 9 more transcripts); short protein forms G18D.
Identifiers: ClinVar variation 3361119 (VCV003361119.1).